The following is an entry in ClinVar:

NM_001040167.2(LFNG):c.112G>T (p.Gly38Cys)

Gene: LFNG (LFNG O-fucosylpeptide 3-beta-N-acetylglucosaminyltransferase; plus strand). Cytogenetic location: 7p22.3.
Variant type: single nucleotide variant.
Coding change: c.112G>T on transcript NM_001040167.2 (MANE Select); coding-DNA position 112, G replaced by T.
Protein change: p.Gly38Cys; replaces glycine 38 with cysteine.
Molecular consequence: missense variant. On other transcripts: intron variant (2).
Genome position (GRCh38, 1-based): chr7:2,519,973, G>T. VCF-style: chr7-2519973-G-T. GRCh37 (hg19) VCF-style: chr7-2559607-G-T.
Other names: c.112G>T, p.Gly38Cys (NM_001040168.2); c.220-4722G>T (NM_001166355.2); c.45+1375G>T (NM_002304.3); short protein forms G38C.
Identifiers: ClinVar variation 2143981 (VCV002143981.4), dbSNP rs1195080859, ClinGen allele CA366613056.
Genomic context (GRCh38, chr7:2,519,973, plus strand): 5'-CTCGCCTGCCTGCTGGTGCTCACCGCCGACCCGCCGCCGCCTCCACTGCCCGCCGAGCGC[G>T]GCCGGCGCGCGCTGCGCAGCCTGGCGGGCCCCGCGGGGGCTGCCCCGGCGCCCGGGCTGG-3'
Protein context (NP_001035257.1, residues 28-48): PPPPPLPAER[Gly38Cys]RRALRSLAGP

ClinVar aggregate classification (germline): Uncertain significance (1 of 4 stars; one submission).

Conditions:
Spondylocostal dysostosis 3, autosomal recessive (SCDO3). Also called: LFNG-Related Spondylocostal Dysostosis, Autosomal Recessive. Identifiers: Orphanet 2311, MedGen C1853296, MONDO:0012349, OMIM 609813.

Allele frequency attached by ClinVar (database versions not stated): TOPMed 0.00001; gnomAD 0.00002.
gnomAD v4.1: 4 of 983,428 alleles (0.00041%); highest among the groups gnomAD compares: Non-Finnish European, 0.00048%; no homozygotes.

Submission:

Labcorp Genetics (formerly Invitae), Labcorp
Classification: Uncertain significance for Spondylocostal dysostosis 3, autosomal recessive. Last evaluated: 2022-03-13. Review status: criteria provided, single submitter. Criteria: Invitae Variant Classification Sherloc (09022015). Collection method: clinical testing. Allele origin: germline.
Comment: In summary, the available evidence is currently insufficient to determine the role of this variant in disease. Therefore, it has been classified as a Variant of Uncertain Significance. Algorithms developed to predict the effect of missense changes on protein structure and function are either unavailable or do not agree on the potential impact of this missense change (SIFT: "Tolerated"; PolyPhen-2: "Not Available"; Align-GVGD: "Class C0"). This sequence change replaces glycine, which is neutral and non-polar, with cysteine, which is neutral and slightly polar, at codon 38 of the LFNG protein (p.Gly38Cys). The frequency data for this variant in the population databases is considered unreliable, as metrics indicate insufficient coverage at this position in the gnomAD database. This variant has not been reported in the literature in individuals affected with LFNG-related conditions.